The following is an entry in ClinVar:

ClinVar aggregate classification (germline): Pathogenic (1 of 4 stars; one submission).

Submission:

Labcorp Genetics (formerly Invitae), Labcorp
Classification: Pathogenic. Last evaluated: 2022-06-15. Review status: criteria provided, single submitter. Criteria: Invitae Variant Classification Sherloc (09022015). Collection method: clinical testing. Allele origin: germline.
Comment: For these reasons, this variant has been classified as Pathogenic. This variant has not been reported in the literature in individuals affected with KMT2A-related conditions. This variant is not present in population databases (gnomAD no frequency). This sequence change creates a premature translational stop signal (p.Met2783Ilefs*6) in the KMT2A gene. It is expected to result in an absent or disrupted protein product. Loss-of-function variants in KMT2A are known to be pathogenic (PMID: 22795537, 25574841, 25810209, 28120103, 29574747, 31157197, 31337854).

Literature cited by the submitters: PubMed 22795537; PubMed 25574841; PubMed 25810209; PubMed 28120103; PubMed 29574747; PubMed 31157197; PubMed 31337854.

NM_001197104.2(KMT2A):c.8349_8352del (p.Met2783fs)

Gene: KMT2A (lysine methyltransferase 2A; plus strand). Cytogenetic location: 11q23.3.
Variant type: Deletion.
Coding change: c.8349_8352del on transcript NM_001197104.2 (MANE Select); coding-DNA positions 8349 to 8352, 4 bases deleted (GGAT; older notation c.8349_8352delGGAT).
Protein change: p.Met2783fs; shifts the reading frame from methionine 2783.
Molecular consequence: frameshift variant.
Genome position (GRCh38, 1-based): chr11:118,504,241-118,504,244, GGAT deleted; deleting any 4 consecutive bases within chr11:118,504,238-118,504,244 gives the same sequence; the c. name uses the placement nearest the transcript's 3' end. VCF-style (leftmost placement, unchanged base first): chr11-118504237-AGATG-A. GRCh37 (hg19) VCF-style: chr11-118374952-AGATG-A.
Other names: c.8439_8442delGGAT, p.Met2813Ilefs (NM_001412597.1); c.8340_8343del, p.Met2780fs (NM_005933.4); short protein forms M2780fs, M2783fs.
Identifiers: ClinVar variation 2005801 (VCV002005801.4), dbSNP rs2497008985, ClinGen allele CA2580083705.